The following is an entry in ClinVar:

NM_145207.3(AFG2A):c.1039_1040dup (p.Gln347fs)

Gene: AFG2A (AAA ATPase AFG2A; plus strand). Cytogenetic location: 4q28.1.
Variant type: Duplication.
Coding change: c.1039_1040dup on transcript NM_145207.3 (MANE Select); coding-DNA positions 1039 to 1040, 2 bases duplicated (CA; older notation c.1039_1040dupCA).
Protein change: p.Gln347fs; shifts the reading frame from glutamine 347.
Molecular consequence: frameshift variant.
Genome position (GRCh38, 1-based): chr4:122,934,630-122,934,631, CA duplicated. VCF-style (leftmost placement, unchanged base first): chr4-122934629-C-CCA. GRCh37 (hg19) VCF-style: chr4-123855784-C-CCA.
Other names: c.1036_1037dup, p.Gln346fs (NM_001317799.2, NM_001345856.2); short protein forms Q346fs, Q347fs.
Identifiers: ClinVar variation 652524 (VCV000652524.7), dbSNP rs1578528119, ClinGen allele CA915943191.

ClinVar aggregate classification (germline): Pathogenic (1 of 4 stars; one submission).

Conditions:
Microcephaly-intellectual disability-sensorineural hearing loss-epilepsy-abnormal muscle tone syndrome (NEDHSB). Also called: NEURODEVELOPMENTAL DISORDER WITH HEARING LOSS, SEIZURES, AND BRAIN ABNORMALITIES. Identifiers: Orphanet 457351, MedGen C4225276, MONDO:0014698, OMIM 616577.

Allele frequency attached by ClinVar (database versions not stated): gnomAD exomes below 0.00001.

Submission:

Labcorp Genetics (formerly Invitae), Labcorp
Classification: Pathogenic for Microcephaly-intellectual disability-sensorineural hearing loss-epilepsy-abnormal muscle tone syndrome. Last evaluated: 2023-07-09. Review status: criteria provided, single submitter. Criteria: Invitae Variant Classification Sherloc (09022015). Collection method: clinical testing. Allele origin: germline.
Comment: For these reasons, this variant has been classified as Pathogenic. Algorithms developed to predict the effect of sequence changes on RNA splicing suggest that this variant may disrupt the consensus splice site. ClinVar contains an entry for this variant (Variation ID: 652524). This variant has not been reported in the literature in individuals affected with SPATA5-related conditions. This sequence change creates a premature translational stop signal (p.Gln347Hisfs*5) in the SPATA5 gene. It is expected to result in an absent or disrupted protein product. Loss-of-function variants in SPATA5 are known to be pathogenic (PMID: 26299366). This variant is not present in population databases (gnomAD no frequency).

Literature cited by the submitters: PubMed 26299366.